The following is an entry in ClinVar:

ClinVar aggregate classification (germline): Likely benign. Review status: criteria provided, multiple submitters, no conflicts (2 of 4 stars). 2 submissions from 2 submitters: Likely benign (2). Last evaluated 2018-06-19.

Allele frequency attached by ClinVar (database versions not stated): ExAC 0.00392; 1000 Genomes Project 0.01278; TOPMed 0.01311; ESP Exome Variant Server 0.01369; 1000 Genomes Project 30x 0.01390; gnomAD 0.00969.
gnomAD v4.1: 3,302 of 1,361,262 alleles (0.24%); highest among the groups gnomAD compares: African/African-American, 3.7%; 51 homozygotes.

Submissions (2):

GeneDx
Classification: Likely benign. Last evaluated: 2018-06-19. Review status: criteria provided, single submitter. Criteria: GeneDx Variant Classification (06012015). Collection method: clinical testing. Allele origin: germline. Affected: yes.
Comment: This variant is considered likely benign or benign based on one or more of the following criteria: it is a conservative change, it occurs at a poorly conserved position in the protein, it is predicted to be benign by multiple in silico algorithms, and/or has population frequency not consistent with disease.

Breakthrough Genomics
Classification: Likely benign. Review status: criteria provided, single submitter. Criteria: ACMG Guidelines, 2015. Collection method: not provided. Allele origin: germline. Inheritance: Autosomal recessive inheritance. Affected: yes.

NM_000070.3(CAPN3):c.310-44A>G

Gene: CAPN3 (calpain 3; plus strand). Cytogenetic location: 15q15.1.
Variant type: single nucleotide variant.
Coding change: c.310-44A>G on transcript NM_000070.3 (MANE Select); 44 bases into the intron before coding-DNA position 310, A replaced by G.
Molecular consequence: intron variant.
Genome position (GRCh38, 1-based): chr15:42,384,439, A>G. VCF-style: chr15-42384439-A-G. GRCh37 (hg19) VCF-style: chr15-42676637-A-G.
Other names: c.310-44A>G (NM_024344.2, NM_173087.2).
Identifiers: ClinVar variation 677712 (VCV000677712.2), dbSNP rs111276174, ClinGen allele CA7510911.